The following is an entry in ClinVar:

NM_001040105.2(MUC17):c.8487C>A (p.Thr2829=)

Gene: MUC17 (mucin 17, cell surface associated; plus strand). Cytogenetic location: 7q22.1.
Variant type: single nucleotide variant.
Coding change: c.8487C>A on transcript NM_001040105.2 (MANE Select); coding-DNA position 8487, C replaced by A.
Protein change: p.Thr2829=; no amino-acid change (threonine 2829 retained).
Molecular consequence: synonymous variant. On other transcripts: non-coding transcript variant (1).
Genome position (GRCh38, 1-based): chr7:101,039,903, C>A. VCF-style: chr7-101039903-C-A. GRCh37 (hg19) VCF-style: chr7-100683184-C-A.
Identifiers: ClinVar variation 3771130 (VCV003771130.13).

ClinVar aggregate classification (germline): Likely benign (1 of 4 stars; one submission).

gnomAD v4.1: 2 of 1,612,980 alleles (0.00012%); highest among the groups gnomAD compares: Non-Finnish European, 0.00017%; no homozygotes.

Submission:

CeGaT Center for Human Genetics Tuebingen
Classification: Likely benign. Last evaluated: 2025-01-01. Review status: criteria provided, single submitter. Criteria: CeGaT Center For Human Genetics Tuebingen Variant Classification Criteria Version 2. Collection method: clinical testing. Allele origin: germline. Affected: yes. Observed: 1 variant allele.
Comment: MUC17: BP4, BP7